The following is an entry in ClinVar:

NM_000414.4(HSD17B4):c.8C>A (p.Ser3Ter)

Gene: HSD17B4 (hydroxysteroid 17-beta dehydrogenase 4; plus strand). Cytogenetic location: 5q23.1.
Variant type: single nucleotide variant.
Coding change: c.8C>A on transcript NM_000414.4 (MANE Select); coding-DNA position 8, C replaced by A.
Protein change: p.Ser3Ter; replaces serine 3 with a stop codon.
Molecular consequence: nonsense. On other transcripts: 5 prime UTR variant (8), non-coding transcript variant (2).
Genome position (GRCh38, 1-based): chr5:119,452,583, C>A. VCF-style: chr5-119452583-C-A. GRCh37 (hg19) VCF-style: chr5-118788278-C-A.
Other names: c.-171C>A (NM_001199291.3); c.8C>A, p.Ser3Ter (NM_001199292.2, NM_001374497.1, NM_001374498.1); c.-130C>A (NM_001292027.2); c.-592C>A (NM_001292028.2, NM_001374501.1); c.-526C>A (NM_001374499.1); c.-719C>A (NM_001374500.1); c.-597C>A (NM_001374502.1); c.-662C>A (NM_001374503.1); short protein forms S3*.
Identifiers: ClinVar variation 5003383 (VCV005003383.1).

ClinVar aggregate classification (germline): Pathogenic (1 of 4 stars; one submission).

Conditions:
Bifunctional peroxisomal enzyme deficiency (DBIF). Also called: PBFE DEFICIENCY; D-bifunctional protein deficiency; DBP DEFICIENCY. Identifiers: Orphanet 300, MedGen C0342870, MONDO:0009855, OMIM 261515. Disease mechanism: loss of function.

Submission:

Myriad Genetics, Inc.
Classification: Pathogenic for Bifunctional peroxisomal enzyme deficiency. Last evaluated: 2026-06-19. Review status: criteria provided, single submitter. Criteria: Myriad Autosomal Dominant, Autosomal Recessive and X-Linked Classification Criteria (2023). Collection method: clinical testing. Allele origin: unknown.
Comment: NM_000414.3(HSD17B4):c.8C>A(S3*) is a nonsense variant classified as pathogenic in the context of HSD17B4-related disorders. S3* has not been observed in cases with relevant disease. Relevant functional assessments of this variant are not available in the literature. S3* has not been observed in referenced population frequency databases. In summary, NM_000414.3(HSD17B4):c.8C>A(S3*) is a nonsense variant in a gene where loss of function is a known mechanism of disease and is predicted to disrupt protein function. Please note: this variant was assessed in the context of healthy population screening.